The following is an entry in ClinVar:

NM_000435.3(NOTCH3):c.1952-6C>T

Gene: NOTCH3 (notch receptor 3; minus strand). Cytogenetic location: 19p13.12.
Variant type: single nucleotide variant.
Coding change: c.1952-6C>T on transcript NM_000435.3 (MANE Select); 6 bases into the intron before coding-DNA position 1952, C replaced by T.
Molecular consequence: intron variant.
Genome position (GRCh38, 1-based): chr19:15,185,685, G>A on the plus strand (C>T on the coding strand, the complement: NOTCH3 is on the minus strand). VCF-style: chr19-15185685-G-A. GRCh37 (hg19) VCF-style: chr19-15296496-G-A.
Identifiers: ClinVar variation 932099 (VCV000932099.3), dbSNP rs2046876259, ClinGen allele CA1139666327.

ClinVar aggregate classification (germline): Uncertain significance (1 of 4 stars; one submission).

Conditions:
Cerebral arteriopathy, autosomal dominant, with subcortical infarcts and leukoencephalopathy, type 1 (CADASIL1). Also called: Cerebral arteriopathy with subcortical infarcts and leukoencephalopathy 1; CADASIL 1; CASIL; DEMENTIA, HEREDITARY MULTIINFARCT TYPE. Identifiers: Orphanet 136, MedGen C4551768, MONDO:0000914, OMIM 125310.

gnomAD v4.1: 1 of 1,612,742 alleles (0.000062%); highest among the groups gnomAD compares: Middle Eastern, 0.017%; no homozygotes.

Submission:

Centre for Mendelian Genomics, University Medical Centre Ljubljana
Classification: Uncertain significance for Cerebral arteriopathy, autosomal dominant, with subcortical infarcts and leukoencephalopathy, type 1. Last evaluated: 2019-07-01. Review status: criteria provided, single submitter. Criteria: ACMG Guidelines, 2015. Collection method: clinical testing. Allele origin: unknown. Affected: yes.
Comment: This variant was classified as: Uncertain significance. The available evidence on this variant's pathogenicity is insufficient or conflicting. The following ACMG criteria were applied in classifying this variant: PM2.